The following is an entry in ClinVar:

ClinVar aggregate classification (germline): Uncertain significance (1 of 4 stars; one submission).

Conditions:
Genitopatellar syndrome (GTPTS). Also called: Genitopatellar syndrome (GPS); ABSENT PATELLAE, SCROTAL HYPOPLASIA, RENAL ANOMALIES, FACIAL DYSMORPHISM, AND MENTAL RETARDATION. Identifiers: Orphanet 85201, MedGen C1853566, MONDO:0011640, OMIM 606170.

Allele frequency attached by ClinVar (database versions not stated): gnomAD exomes below 0.00001.
gnomAD v4.1: 1 of 1,583,830 alleles (0.000063%); highest among the groups gnomAD compares: Non-Finnish European, 0.000087%; no homozygotes.

Submission:

Labcorp Genetics (formerly Invitae), Labcorp
Classification: Uncertain significance for Genitopatellar syndrome. Last evaluated: 2022-07-17. Review status: criteria provided, single submitter. Criteria: Invitae Variant Classification Sherloc (09022015). Collection method: clinical testing. Allele origin: germline.
Comment: In summary, the available evidence is currently insufficient to determine the role of this variant in disease. Therefore, it has been classified as a Variant of Uncertain Significance. Algorithms developed to predict the effect of missense changes on protein structure and function (SIFT, PolyPhen-2, Align-GVGD) all suggest that this variant is likely to be tolerated. This variant has not been reported in the literature in individuals affected with KAT6B-related conditions. This variant is not present in population databases (gnomAD no frequency). This sequence change replaces glutamic acid, which is acidic and polar, with lysine, which is basic and polar, at codon 1079 of the KAT6B protein (p.Glu1079Lys).

NM_012330.4(KAT6B):c.3235G>A (p.Glu1079Lys)

Gene: KAT6B (lysine acetyltransferase 6B; plus strand). Cytogenetic location: 10q22.2.
Variant type: single nucleotide variant.
Coding change: c.3235G>A on transcript NM_012330.4 (MANE Select); coding-DNA position 3235, G replaced by A.
Protein change: p.Glu1079Lys; replaces glutamic acid 1079 with lysine.
Molecular consequence: missense variant.
Genome position (GRCh38, 1-based): chr10:75,022,094, G>A. VCF-style: chr10-75022094-G-A. GRCh37 (hg19) VCF-style: chr10-76781852-G-A.
Other names: c.2686G>A, p.Glu896Lys (NM_001256468.2, NM_001370138.1); c.2359G>A, p.Glu787Lys (NM_001256469.2, NM_001370139.1, NM_001370140.1 and 2 more transcripts); c.2197G>A, p.Glu733Lys (NM_001370132.1); c.1546G>A, p.Glu516Lys (NM_001370133.1); c.1150G>A, p.Glu384Lys (NM_001370134.1); c.892G>A, p.Glu298Lys (NM_001370135.1); c.3235G>A, p.Glu1079Lys (NM_001370136.1, NM_001370137.1); c.2170G>A, p.Glu724Lys (NM_001370143.1, NM_001370144.1); short protein forms E1079K, E298K, E384K, E516K, E724K, E733K, E787K, E896K.
Identifiers: ClinVar variation 1718015 (VCV001718015.6), dbSNP rs2549169961, ClinGen allele CA377284302.